The following is an entry in ClinVar:

NM_000017.4(ACADS):c.267C>T (p.Gly89=)

Gene: ACADS (acyl-CoA dehydrogenase short chain; plus strand). Cytogenetic location: 12q24.31.
Variant type: single nucleotide variant.
Coding change: c.267C>T on transcript NM_000017.4 (MANE Select); coding-DNA position 267, C replaced by T.
Protein change: p.Gly89=; no amino-acid change (glycine 89 retained).
Molecular consequence: synonymous variant.
Genome position (GRCh38, 1-based): chr12:120,737,042, C>T. VCF-style: chr12-120737042-C-T. GRCh37 (hg19) VCF-style: chr12-121174845-C-T.
Other names: c.267C>T, p.Gly89= (NM_001302554.2).
Identifiers: ClinVar variation 2199897 (VCV002199897.25), dbSNP rs752181519, ClinGen allele CA6830808.

ClinVar aggregate classification (germline): Likely benign. Review status: criteria provided, multiple submitters, no conflicts (2 of 4 stars). 3 submissions from 3 submitters: Likely benign (3). Last evaluated 2025-09-29.

Conditions:
Deficiency of butyryl-CoA dehydrogenase (ACADSD). Also called: SCAD DEFICIENCY, MILD; ACYL-CoA DEHYDROGENASE, SHORT-CHAIN, DEFICIENCY OF; SCADH DEFICIENCY; SCAD Deficiency; ACADS DEFICIENCY; Short-Chain Acyl-CoA Dehydrogenase Deficiency. Identifiers: Orphanet 26792, MedGen C0342783, MONDO:0008722, OMIM 201470. Disease mechanism: May be benign.

Allele frequency attached by ClinVar (database versions not stated): gnomAD 0.00001; TOPMed 0.00002.
gnomAD v4.1: 46 of 1,609,054 alleles (0.0029%); highest among the groups gnomAD compares: Admixed American, 0.005%; no homozygotes.

Submissions (3):

Labcorp Genetics (formerly Invitae), Labcorp
Classification: Likely benign for Deficiency of butyryl-CoA dehydrogenase. Last evaluated: 2025-09-29. Review status: criteria provided, single submitter. Criteria: Invitae Variant Classification Sherloc (09022015). Collection method: clinical testing. Allele origin: germline.

Blueprint Genetics
Classification: Likely benign. Last evaluated: 2024-11-13. Review status: criteria provided, single submitter. Criteria: ACMG Guidelines, 2015. Collection method: clinical testing. Allele origin: germline.

CeGaT Center for Human Genetics Tuebingen
Classification: Likely benign. Last evaluated: 2024-04-01. Review status: criteria provided, single submitter. Criteria: CeGaT Center For Human Genetics Tuebingen Variant Classification Criteria Version 2. Collection method: clinical testing. Allele origin: germline. Affected: yes. Observed: 1 variant allele.
Comment: ACADS: BP4, BP7